The following is an entry in ClinVar:

ClinVar aggregate classification (germline): Uncertain significance (1 of 4 stars; one submission).

Conditions:
Developmental and epileptic encephalopathy, 72. Also called: EPILEPTIC ENCEPHALOPATHY, EARLY INFANTILE, 72. Identifiers: MedGen C5193063, MONDO:0032710, OMIM 618374.

Submission:

Genetic Diseases Diagnostic Center, Koc University Hospital
Classification: Uncertain significance for Developmental and epileptic encephalopathy, 72. Last evaluated: 2026-02-20. Review status: criteria provided, single submitter. Criteria: ACMG Guidelines, 2015. Collection method: clinical testing. Allele origin: germline. Inheritance: Autosomal dominant inheritance. Affected: yes.
Comment: The c.34C>G p.Leu12Val (rs914412784) variant in NEUROD2 results in the substitution of a conserved, nonpolar leucine residue with another nonpolar amino acid, valine, at position 12 of the NEUROD2 protein. This is a non-synonymous (missense) change within the coding sequence, altering the primary structure of the protein without introducing a premature stop codon or frameshift. No additional specific functional data for this particular amino acid change are available from current knowledge. NEUROD2 encodes a neuronal differentiation basic helix-loop-helix transcription factor involved in neuronal development, maturation, and maintenance, and pathogenic variants in this gene have been associated with neurodevelopmental phenotypes including developmental delay, intellectual disability, epilepsy, and developmental and epileptic encephalopathy 72 (DEE72; MIM #618374). The variant a CADD score of 21.4 and a REVEL score of 0.311. In gnomAD, the reported overall allele frequency is 0.00000398. This variant has been classified as of uncertain significance according to ACMG/AMP criteria with the following criteria applied: PM2, PP4.

Literature cited by the submitters: PubMed 18274675; PubMed 19181672; PubMed 19716112; PubMed 40017287.

NM_006160.4(NEUROD2):c.34C>G (p.Leu12Val)

Gene: NEUROD2 (neuronal differentiation 2; minus strand). Cytogenetic location: 17q12.
Variant type: single nucleotide variant.
Coding change: c.34C>G on transcript NM_006160.4 (MANE Select); coding-DNA position 34, C replaced by G.
Protein change: p.Leu12Val; replaces leucine 12 with valine.
Molecular consequence: missense variant.
Genome position (GRCh38, 1-based): chr17:39,606,566, G>C on the plus strand (C>G on the coding strand, the complement: NEUROD2 is on the minus strand). VCF-style: chr17-39606566-G-C. GRCh37 (hg19) VCF-style: chr17-37762819-G-C.
Other names: short protein forms L12V.
Identifiers: ClinVar variation 4813989 (VCV004813989.1).